The following is an entry in ClinVar:

ClinVar aggregate classification (germline): Uncertain significance (1 of 4 stars; one submission).

Submission:

Women's Health and Genetics/Laboratory Corporation of America, LabCorp
Classification: Uncertain significance. Last evaluated: 2019-09-13. Review status: criteria provided, single submitter. Criteria: LabCorp Variant Classification Summary - May 2015. Collection method: clinical testing. Allele origin: germline.
Comment: Variant summary: CFTR c.1385C>G (p.Ala462Gly) results in a non-conservative amino acid change located in the AAA+ ATPase (IPR003593) and ABC transporter-like (IPR003439) domains of the encoded protein sequence. Four of five in-silico tools predict a damaging effect of the variant on protein function. The variant was absent in 243158 control chromosomes (gnomAD). The available data on variant occurrences in the general population are insufficient to allow any conclusion about variant significance. To our knowledge, no occurrence of c.1385C>G in individuals affected with Cystic Fibrosis and no experimental evidence demonstrating an impact on protein function have been reported. No clinical diagnostic laboratories have submitted clinical-significance assessments for this variant to ClinVar after 2014. Based on the evidence outlined above, the variant was classified as uncertain significance.

NM_000492.4(CFTR):c.1385C>G (p.Ala462Gly)

Genes: CFTR (CF transmembrane conductance regulator; plus strand), CFTR-AS1 (CFTR antisense RNA 1; minus strand). Cytogenetic location: 7q31.2.
Variant type: single nucleotide variant.
Coding change: c.1385C>G on transcript NM_000492.4 (MANE Select); coding-DNA position 1385, C replaced by G.
Protein change: p.Ala462Gly; replaces alanine 462 with glycine.
Molecular consequence: missense variant.
Genome position (GRCh38, 1-based): chr7:117,548,816, C>G. VCF-style: chr7-117548816-C-G. GRCh37 (hg19) VCF-style: chr7-117188870-C-G.
Other names: short protein forms A462G.
Identifiers: ClinVar variation 929224 (VCV000929224.1), dbSNP rs1422519885, ClinGen allele CA368982570.